The following is an entry in ClinVar:

NM_001375567.1(FOCAD):c.2846C>A (p.Ala949Asp)

Gene: FOCAD (focadhesin; plus strand). Cytogenetic location: 9p21.3.
Variant type: single nucleotide variant.
Coding change: c.2846C>A on transcript NM_001375567.1 (MANE Select); coding-DNA position 2846, C replaced by A.
Protein change: p.Ala949Asp; replaces alanine 949 with aspartic acid.
Molecular consequence: missense variant.
Genome position (GRCh38, 1-based): chr9:20,916,931, C>A. VCF-style: chr9-20916931-C-A. GRCh37 (hg19) VCF-style: chr9-20916930-C-A.
Other names: c.2741C>A, p.Ala914Asp (NM_001375568.1, NM_001375570.1); c.2846C>A, p.Ala949Asp (NM_017794.5); short protein forms A949D, A914D.
Identifiers: ClinVar variation 3633047 (VCV003633047.2).

ClinVar aggregate classification (germline): Uncertain significance (1 of 4 stars; one submission).

Submission:

Labcorp Genetics (formerly Invitae), Labcorp
Classification: Uncertain significance. Last evaluated: 2025-05-01. Review status: criteria provided, single submitter. Criteria: Invitae Variant Classification Sherloc (09022015). Collection method: clinical testing. Allele origin: germline.
Comment: This sequence change replaces alanine, which is neutral and non-polar, with aspartic acid, which is acidic and polar, at codon 949 of the FOCAD protein (p.Ala949Asp). This variant is not present in population databases (gnomAD no frequency). This variant has not been reported in the literature in individuals affected with FOCAD-related conditions. ClinVar contains an entry for this variant (Variation ID: 3633047). Experimental studies and prediction algorithms are not available or were not evaluated, and the functional significance of this variant is currently unknown. In summary, the available evidence is currently insufficient to determine the role of this variant in disease. Therefore, it has been classified as a Variant of Uncertain Significance.